The following is an entry in ClinVar:

ClinVar aggregate classification (germline): Benign (1 of 4 stars; one submission).

Allele frequency attached by ClinVar (database versions not stated): TOPMed 0.00004; gnomAD 0.00016; 1000 Genomes Project 30x 0.00062; 1000 Genomes Project 0.00080.
gnomAD v4.1: 24 of 152,308 alleles (0.016%); highest among the groups gnomAD compares: East Asian, 0.46%; no homozygotes.

Submission:

CeGaT Center for Human Genetics Tuebingen
Classification: Benign. Last evaluated: 2022-03-01. Review status: criteria provided, single submitter. Criteria: CeGaT Center For Human Genetics Tuebingen Variant Classification Criteria Version 2. Collection method: clinical testing. Allele origin: germline. Affected: yes. Observed: 1 variant allele.
Comment: BRAF: BS1, BS2

NM_004333.6(BRAF):c.1141-2721A>G

Gene: BRAF (B-Raf proto-oncogene, serine/threonine kinase; minus strand). Cytogenetic location: 7q34.
Variant type: single nucleotide variant.
Coding change: c.1141-2721A>G on transcript NM_004333.6 (MANE Select); 2721 bases into the intron before coding-DNA position 1141, A replaced by G.
Molecular consequence: intron variant.
Genome position (GRCh38, 1-based): chr7:140,790,305, T>C on the plus strand (A>G on the coding strand, the complement: BRAF is on the minus strand). VCF-style: chr7-140790305-T-C. GRCh37 (hg19) VCF-style: chr7-140490105-T-C.
Other names: c.985-2721A>G (NM_001378472.1, NM_001378473.1); c.1141-2721A>G (NM_001378469.1, NM_001374244.1, NM_001378474.1 and 3 more transcripts); c.1039-2721A>G (NM_001378470.1); c.877-2721A>G (NM_001378475.1); c.1140+4003A>G (NM_001378471.1); c.1150-2721A>G (NM_001378467.1).
Identifiers: ClinVar variation 2658055 (VCV002658055.24), dbSNP rs192747453, ClinGen allele CA168097264.